The following is an entry in ClinVar:

ClinVar aggregate classification (germline): Uncertain significance. Review status: criteria provided, multiple submitters, no conflicts (2 of 4 stars). 7 submissions from 7 submitters: Uncertain significance (7). Last evaluated 2026-01-26.

Conditions:
Cerebroretinal microangiopathy with calcifications and cysts 1 (CRMCC1). Identifiers: Orphanet 313838, MedGen C4552029, MONDO:0024564, OMIM 612199.
Inborn genetic diseases. Identifiers: MedGen C0950123, MeSH D030342.
Dyskeratosis congenita. Identifiers: Orphanet 1775, MedGen C0265965, MONDO:0015780.

Allele frequency attached by ClinVar (database versions not stated): ExAC below 0.00001; gnomAD 0.00006; gnomAD exomes 0.00007; TOPMed 0.00009.
gnomAD v4.1: 108 of 1,555,054 alleles (0.0069%); highest among the groups gnomAD compares: Non-Finnish European, 0.0079%; no homozygotes.

Submissions (7):

Labcorp Genetics (formerly Invitae), Labcorp
Classification: Uncertain significance for Dyskeratosis congenita. Last evaluated: 2026-01-26. Review status: criteria provided, single submitter. Criteria: Invitae Variant Classification Sherloc (09022015). Collection method: clinical testing. Allele origin: germline.
Comment: This sequence change replaces arginine, which is basic and polar, with cysteine, which is neutral and slightly polar, at codon 589 of the CTC1 protein (p.Arg589Cys). This variant is present in population databases (rs759152295, gnomAD 0.01%). This variant has not been reported in the literature in individuals affected with CTC1-related conditions. ClinVar contains an entry for this variant (Variation ID: 856944). Invitae Evidence Modeling of protein sequence and biophysical properties (such as structural, functional, and spatial information, amino acid conservation, physicochemical variation, residue mobility, and thermodynamic stability) indicates that this missense variant is not expected to disrupt CTC1 protein function with a negative predictive value of 80%. In summary, the available evidence is currently insufficient to determine the role of this variant in disease. Therefore, it has been classified as a Variant of Uncertain Significance.

Ambry Genetics
Classification: Uncertain significance for Inborn genetic diseases. Last evaluated: 2025-08-10. Review status: criteria provided, single submitter. Criteria: Ambry Variant Classification Scheme 2023. Collection method: clinical testing. Allele origin: germline.

Blueprint Genetics
Classification: Uncertain significance. Last evaluated: 2024-11-25. Review status: criteria provided, single submitter. Criteria: ACMG Guidelines, 2015. Collection method: clinical testing. Allele origin: germline.

Mayo Clinic Laboratories, Mayo Clinic
Classification: Uncertain significance. Last evaluated: 2022-08-24. Review status: criteria provided, single submitter. Criteria: ACMG Guidelines, 2015. Collection method: clinical testing. Allele origin: germline. Observed: 3 variant alleles.
Comment: BP4

Sema4
Classification: Uncertain significance for Dyskeratosis congenita. Last evaluated: 2021-08-24. Review status: criteria provided, single submitter. Criteria: Sema4 Curation Guidelines. Collection method: curation. Allele origin: germline.
Comment: The CTC1 c.1765C>T (p.R589C) variant has not been reported in the literature to our knowledge. It was observed in 10/78306 chromosomes of the Non-Finnish European subpopulation, including no homozygotes, in the large and broad cohorts of the Genome Aggregation Database (PMID: 32461654). The variant has been reported in ClinVar (Variation ID 856944). Functional studies have not been performed, and in silico predictions of the variant's effect on protein function are inconclusive. The evidence is insufficient to meet ACMG/AMP criteria for classifying the variant as benign or pathogenic. Thus, the clinical significance of this variant is currently uncertain.

Genome-Nilou Lab
Classification: Uncertain significance for Cerebroretinal microangiopathy with calcifications and cysts 1. Last evaluated: 2021-07-15. Review status: criteria provided, single submitter. Criteria: ACMG Guidelines, 2015. Collection method: clinical testing. Allele origin: germline. Affected: no.

GeneDx
Classification: Uncertain significance. Last evaluated: 2019-09-12. Review status: criteria provided, single submitter. Criteria: GeneDx Variant Classification Process June 2021. Collection method: clinical testing. Allele origin: germline. Affected: yes.
Comment: In silico analysis, which includes protein predictors and evolutionary conservation, supports a deleterious effect; Has not been previously published as pathogenic or benign to our knowledge

NM_025099.6(CTC1):c.1765C>T (p.Arg589Cys)

Gene: CTC1 (CST telomere replication complex component 1; minus strand). Cytogenetic location: 17p13.1.
Variant type: single nucleotide variant.
Coding change: c.1765C>T on transcript NM_025099.6 (MANE Select); coding-DNA position 1765, C replaced by T.
Protein change: p.Arg589Cys; replaces arginine 589 with cysteine.
Molecular consequence: missense variant. On other transcripts: non-coding transcript variant (1).
Genome position (GRCh38, 1-based): chr17:8,234,508, G>A on the plus strand (C>T on the coding strand, the complement: CTC1 is on the minus strand). VCF-style: chr17-8234508-G-A. GRCh37 (hg19) VCF-style: chr17-8137826-G-A.
Other names: p.Arg589Cys; short protein forms R589C.
Identifiers: ClinVar variation 856944 (VCV000856944.15), dbSNP rs759152295, ClinGen allele CA8372262.
Genomic context (GRCh38, chr17:8,234,508, plus strand): 5'-CCCTTACCTGGGCTGGGCAGAAGGCAGAGGGCAGCAGACAGAGCCAGGACCAAGCCAGGC[G>A]GCGATTGAGTTGGCAGCTGGGCAGGTAGGAGGCCTCCGGGAGGGGCAGAAGGGCCTTAGG-3'
Protein context (NP_079375.3, residues 579-599): SYLPSCQLNR[Arg589Cys]LAWSWLCLLP